The following is an entry in ClinVar:

ClinVar aggregate classification (germline): Uncertain significance. Review status: criteria provided, multiple submitters, no conflicts (2 of 4 stars). 3 submissions from 3 submitters: Uncertain significance (3). Last evaluated 2025-12-23.

Conditions:
Hereditary cancer-predisposing syndrome. Also called: Neoplastic Syndromes, Hereditary; Hereditary Cancer Syndrome; Hereditary neoplastic syndrome; Tumor predisposition. Identifiers: Orphanet 140162, MedGen C0027672, MeSH D009386, MONDO:0015356.
Gastrointestinal stromal tumor. Also called: Gastrointestinal stroma tumor; Gastrointestinal stromal tumor, somatic. Identifiers: Orphanet 44890, MedGen C0238198, MeSH D046152, MONDO:0011719, OMIM 606764, HP:0100723.

Allele frequency attached by ClinVar (database versions not stated): gnomAD exomes below 0.00001; TOPMed below 0.00001.
gnomAD v4.1: 2 of 1,614,082 alleles (0.00012%); highest among the groups gnomAD compares: Non-Finnish European, 0.00017%; no homozygotes.

Submissions (3):

Labcorp Genetics (formerly Invitae), Labcorp
Classification: Uncertain significance for Gastrointestinal stromal tumor. Last evaluated: 2025-12-23. Review status: criteria provided, single submitter. Criteria: Invitae Variant Classification Sherloc (09022015). Collection method: clinical testing. Allele origin: germline.
Comment: This sequence change replaces serine, which is neutral and polar, with proline, which is neutral and non-polar, at codon 415 of the PDGFRA protein (p.Ser415Pro). This variant is present in population databases (no rsID available, gnomAD 0.0009%). This variant has not been reported in the literature in individuals affected with PDGFRA-related conditions. ClinVar contains an entry for this variant (Variation ID: 407426). Invitae Evidence Modeling of protein sequence and biophysical properties (such as structural, functional, and spatial information, amino acid conservation, physicochemical variation, residue mobility, and thermodynamic stability) indicates that this missense variant is not expected to disrupt PDGFRA protein function with a negative predictive value of 80%. In summary, the available evidence is currently insufficient to determine the role of this variant in disease. Therefore, it has been classified as a Variant of Uncertain Significance.

Ambry Genetics
Classification: Uncertain significance for Hereditary cancer-predisposing syndrome. Last evaluated: 2024-11-17. Review status: criteria provided, single submitter. Criteria: Ambry Variant Classification Scheme 2023. Collection method: clinical testing. Allele origin: germline.
Comment: The p.S415P variant (also known as c.1243T>C), located in coding exon 8 of the PDGFRA gene, results from a T to C substitution at nucleotide position 1243. The serine at codon 415 is replaced by proline, an amino acid with similar properties. This amino acid position is poorly conserved in available vertebrate species. In addition, this alteration is predicted to be tolerated by in silico analysis. Since supporting evidence is limited at this time, the clinical significance of this alteration remains unclear.

GeneDx
Classification: Uncertain significance. Last evaluated: 2022-11-07. Review status: criteria provided, single submitter. Criteria: GeneDx Variant Classification Process June 2021. Collection method: clinical testing. Allele origin: germline. Affected: yes.
Comment: Not observed at significant frequency in large population cohorts (gnomAD); In silico analysis supports that this missense variant does not alter protein structure/function; Has not been previously published as pathogenic or benign to our knowledge

NM_006206.6(PDGFRA):c.1243T>C (p.Ser415Pro)

Gene: PDGFRA (platelet derived growth factor receptor alpha; plus strand). Cytogenetic location: 4q12.
Variant type: single nucleotide variant.
Coding change: c.1243T>C on transcript NM_006206.6 (MANE Select); coding-DNA position 1243, T replaced by C.
Protein change: p.Ser415Pro; replaces serine 415 with proline.
Molecular consequence: missense variant.
Genome position (GRCh38, 1-based): chr4:54,272,399, T>C. VCF-style: chr4-54272399-T-C. GRCh37 (hg19) VCF-style: chr4-55138566-T-C.
Other names: c.1243T>C, p.Ser415Pro (NM_001347827.2, NM_001347829.2); c.1318T>C, p.Ser440Pro (NM_001347828.2); c.1282T>C, p.Ser428Pro (NM_001347830.2); short protein forms S415P, S440P, S428P.
Identifiers: ClinVar variation 407426 (VCV000407426.21), dbSNP rs1060501514, ClinGen allele CA16611468.